The following is an entry in ClinVar:

ClinVar aggregate classification (germline): Likely pathogenic (1 of 4 stars; one submission).

Conditions:
Inborn genetic diseases. Identifiers: MedGen C0950123, MeSH D030342.

Submission:

Ambry Genetics
Classification: Likely pathogenic for Inborn genetic diseases. Last evaluated: 2018-01-24. Review status: criteria provided, single submitter. Criteria: Ambry Variant Classification Scheme 2023. Collection method: clinical testing. Allele origin: germline.
Comment: The p.Q1287* variant (also known as c.3859C>T), located in coding exon 15 of the IQSEC2 gene, results from a C to T substitution at nucleotide position 3859. This changes the amino acid from a glutamine to a stop codon within coding exon 15. Premature stop codons are typically deleterious in nature, however, this stop codon occurs at the 3' terminus of IQSEC2 , is not expected to trigger nonsense-mediated mRNA decay, and impacts only the last 200 amino acids of the protein. However, this alteration abolishes important protein-protein interactions and eliminates the PDZ binding motif (Ambry internal data; Brown JC et al. Nat Commun, 2016 Mar;7:11080; Ramage, R. Biochem. J. 1994 Apr;299 ( Pt 1):151-8). Based on the majority of available evidence to date, this variant is likely to be pathogenic.

Literature cited by the submitters: PubMed 27009485; PubMed 27864847; PubMed 8166633.

NM_001111125.3(IQSEC2):c.3859C>T (p.Gln1287Ter)

Gene: IQSEC2 (IQ motif and Sec7 domain ArfGEF 2; minus strand). Cytogenetic location: Xp11.22.
Variant type: single nucleotide variant.
Coding change: c.3859C>T on transcript NM_001111125.3 (MANE Select); coding-DNA position 3859, C replaced by T.
Protein change: p.Gln1287Ter; replaces glutamine 1287 with a stop codon.
Molecular consequence: nonsense. On other transcripts: 3 prime UTR variant (1).
Genome position (GRCh38, 1-based): chrX:53,234,827, G>A on the plus strand (C>T on the coding strand, the complement: IQSEC2 is on the minus strand). VCF-style: chrX-53234827-G-A. GRCh37 (hg19) VCF-style: chrX-53264009-G-A.
Other names: c.*344C>T (NM_001410736.1, NM_015075.2); short protein forms Q1287*.
Identifiers: ClinVar variation 1735575 (VCV001735575.2), dbSNP rs2519672613, ClinGen allele CA413140411.